The following is an entry in ClinVar:

ClinVar aggregate classification (germline): Uncertain significance (1 of 4 stars; one submission).

Conditions:
Leukocyte adhesion deficiency type II. Also called: CONGENITAL DISORDER OF GLYCOSYLATION, TYPE IIc; Congenital disorder of glycosylation type 2C; CDG 2C; Leukocyte adhesion deficiency type 2; Rambam Hasharon syndrome; CDG IIc. Identifiers: Orphanet 2968, Orphanet 99843, MedGen C0398739, MONDO:0009953, OMIM 266265.

Allele frequency attached by ClinVar (database versions not stated): gnomAD exomes below 0.00001.
gnomAD v4.1: 4 of 1,603,648 alleles (0.00025%); highest among the groups gnomAD compares: Non-Finnish European, 0.00034%; no homozygotes.

Submission:

Labcorp Genetics (formerly Invitae), Labcorp
Classification: Uncertain significance for Leukocyte adhesion deficiency type II. Last evaluated: 2024-01-15. Review status: criteria provided, single submitter. Criteria: Invitae Variant Classification Sherloc (09022015). Collection method: clinical testing. Allele origin: germline.
Comment: This sequence change replaces glycine, which is neutral and non-polar, with alanine, which is neutral and non-polar, at codon 333 of the SLC35C1 protein (p.Gly333Ala). This variant is not present in population databases (gnomAD no frequency). This variant has not been reported in the literature in individuals affected with SLC35C1-related conditions. ClinVar contains an entry for this variant (Variation ID: 959251). Advanced modeling of protein sequence and biophysical properties (such as structural, functional, and spatial information, amino acid conservation, physicochemical variation, residue mobility, and thermodynamic stability) performed at Invitae indicates that this missense variant is not expected to disrupt SLC35C1 protein function with a negative predictive value of 80%. In summary, the available evidence is currently insufficient to determine the role of this variant in disease. Therefore, it has been classified as a Variant of Uncertain Significance.

NM_018389.5(SLC35C1):c.998G>C (p.Gly333Ala)

Gene: SLC35C1 (solute carrier family 35 member C1; plus strand). Cytogenetic location: 11p11.2.
Variant type: single nucleotide variant.
Coding change: c.998G>C on transcript NM_018389.5 (MANE Select); coding-DNA position 998, G replaced by C.
Protein change: p.Gly333Ala; replaces glycine 333 with alanine.
Molecular consequence: missense variant.
Genome position (GRCh38, 1-based): chr11:45,811,238, G>C. VCF-style: chr11-45811238-G-C. GRCh37 (hg19) VCF-style: chr11-45832789-G-C.
Other names: c.959G>C, p.Gly320Ala (NM_001145265.2, NM_001145266.2); short protein forms G320A, G333A.
Identifiers: ClinVar variation 959251 (VCV000959251.9), dbSNP rs2085942864, ClinGen allele CA380207146.
Genomic context (GRCh38, chr11:45,811,238, plus strand): 5'-TCTACTACGAGGAGACCAAGAGCTTCCTCTGGTGGACGAGCAACATGATGGTGCTGGGCG[G>C]CTCCTCCGCCTACACCTGGGTCAGGGGCTGGGAGATGAAGAAGACTCCGGAGGAGCCCAG-3'
Protein context (NP_060859.4, residues 323-343): WWTSNMMVLG[Gly333Ala]SSAYTWVRGW